The following is an entry in ClinVar:

NM_014516.4(CNOT3):c.1447G>C (p.Val483Leu)

Gene: CNOT3 (CCR4-NOT transcription complex subunit 3; plus strand). Cytogenetic location: 19q13.42.
Variant type: single nucleotide variant.
Coding change: c.1447G>C on transcript NM_014516.4 (MANE Select); coding-DNA position 1447, G replaced by C.
Protein change: p.Val483Leu; replaces valine 483 with leucine.
Molecular consequence: missense variant.
Genome position (GRCh38, 1-based): chr19:54,149,600, G>C. VCF-style: chr19-54149600-G-C. GRCh37 (hg19) VCF-style: chr19-54653335-G-C.
Other names: short protein forms V483L.
Identifiers: ClinVar variation 1977355 (VCV001977355.5), dbSNP rs748449434, ClinGen allele CA309340000.
Genomic context (GRCh38, chr19:54,149,600, plus strand): 5'-CTTCCATGCTCTCTCTCCAGGAAGGAACCCAGTGCGGCAGCCCCAACGGGGGCTGGGGGC[G>C]TGGCCCCAGGCTCAGGGAACAACTCAGGGGGACCCAGCCTCCTGGTGCCACTGCCTGTGA-3'
Protein context (NP_055331.1, residues 473-493): SAAAPTGAGG[Val483Leu]APGSGNNSGG

ClinVar aggregate classification (germline): Uncertain significance (1 of 4 stars; one submission).

Allele frequency attached by ClinVar (database versions not stated): ExAC 0.00001.
gnomAD v4.1: 14 of 1,609,298 alleles (0.00087%); highest among the groups gnomAD compares: South Asian, 0.0044%; no homozygotes.

Submission:

Labcorp Genetics (formerly Invitae), Labcorp
Classification: Uncertain significance. Last evaluated: 2022-11-01. Review status: criteria provided, single submitter. Criteria: Invitae Variant Classification Sherloc (09022015). Collection method: clinical testing. Allele origin: germline.
Comment: This sequence change replaces valine, which is neutral and non-polar, with leucine, which is neutral and non-polar, at codon 483 of the CNOT3 protein (p.Val483Leu). This variant is present in population databases (rs748449434, gnomAD 0.003%). This variant has not been reported in the literature in individuals affected with CNOT3-related conditions. Algorithms developed to predict the effect of missense changes on protein structure and function (SIFT, PolyPhen-2, Align-GVGD) all suggest that this variant is likely to be tolerated. In summary, the available evidence is currently insufficient to determine the role of this variant in disease. Therefore, it has been classified as a Variant of Uncertain Significance.